The following is an entry in ClinVar:

ClinVar aggregate classification (germline): Likely benign. Review status: criteria provided, multiple submitters, no conflicts (2 of 4 stars). 3 submissions from 3 submitters: Likely benign (3). Last evaluated 2024-08-21.

Conditions:
Ehlers-Danlos syndrome, classic type, 1 (EDSCL1). Also called: Ehlers-Danlos syndrome, type 1; Ehlers-Danlos Syndrome, Classic Type, COL5A1-Related; EDS I; EHLERS-DANLOS SYNDROME, GRAVIS TYPE; EHLERS-DANLOS SYNDROME, SEVERE CLASSIC TYPE. Identifiers: MedGen C0268335, MONDO:0019567, OMIM 130000.

Allele frequency attached by ClinVar (database versions not stated): ExAC 0.00001; TOPMed 0.00001; gnomAD exomes 0.00003.
gnomAD v4.1: 47 of 1,613,926 alleles (0.0029%); highest among the groups gnomAD compares: Non-Finnish European, 0.004%; no homozygotes.

Submissions (3):

Blueprint Genetics
Classification: Likely benign. Last evaluated: 2024-08-21. Review status: criteria provided, single submitter. Criteria: ACMG Guidelines, 2015. Collection method: clinical testing. Allele origin: germline.

Labcorp Genetics (formerly Invitae), Labcorp
Classification: Likely benign for Ehlers-Danlos syndrome, classic type, 1. Last evaluated: 2024-08-12. Review status: criteria provided, single submitter. Criteria: Invitae Variant Classification Sherloc (09022015). Collection method: clinical testing. Allele origin: germline.

GeneDx
Classification: Likely benign. Last evaluated: 2018-02-07. Review status: criteria provided, single submitter. Criteria: GeneDx Variant Classification (06012015). Collection method: clinical testing. Allele origin: germline. Affected: yes.
Comment: This variant is considered likely benign or benign based on one or more of the following criteria: it is a conservative change, it occurs at a poorly conserved position in the protein, it is predicted to be benign by multiple in silico algorithms, and/or has population frequency not consistent with disease.

NM_000093.5(COL5A1):c.2754G>A (p.Arg918=)

Gene: COL5A1 (collagen type V alpha 1 chain; plus strand). Cytogenetic location: 9q34.3.
Variant type: single nucleotide variant.
Coding change: c.2754G>A on transcript NM_000093.5 (MANE Select); coding-DNA position 2754, G replaced by A.
Protein change: p.Arg918=; no amino-acid change (arginine 918 retained).
Molecular consequence: synonymous variant.
Genome position (GRCh38, 1-based): chr9:134,795,270, G>A. VCF-style: chr9-134795270-G-A. GRCh37 (hg19) VCF-style: chr9-137687116-G-A.
Other names: c.2754G>A, p.Arg918= (NM_001278074.1).
Identifiers: ClinVar variation 459665 (VCV000459665.13), dbSNP rs776715400, ClinGen allele CA5319577.